The following is an entry in ClinVar:

ClinVar aggregate classification (germline): Likely benign (1 of 4 stars; one submission).

Allele frequency attached by ClinVar (database versions not stated): gnomAD 0.00004; TOPMed 0.00005.
gnomAD v4.1: 41 of 1,201,233 alleles (0.0034%); highest among the groups gnomAD compares: Non-Finnish European, 0.0046%; no homozygotes.

Submission:

CeGaT Center for Human Genetics Tuebingen
Classification: Likely benign. Last evaluated: 2022-07-01. Review status: criteria provided, single submitter. Criteria: CeGaT Center For Human Genetics Tuebingen Variant Classification Criteria Version 2. Collection method: clinical testing. Allele origin: germline. Affected: yes. Observed: 1 variant allele.
Comment: TFE3: BP4, BP7

NM_006521.6(TFE3):c.474T>G (p.Ser158=)

Gene: TFE3 (transcription factor binding to IGHM enhancer 3; minus strand). Cytogenetic location: Xp11.23.
Variant type: single nucleotide variant.
Coding change: c.474T>G on transcript NM_006521.6 (MANE Select); coding-DNA position 474, T replaced by G.
Protein change: p.Ser158=; no amino-acid change (serine 158 retained).
Molecular consequence: synonymous variant.
Genome position (GRCh38, 1-based): chrX:49,039,167, A>C on the plus strand (T>G on the coding strand, the complement: TFE3 is on the minus strand). VCF-style: chrX-49039167-A-C. GRCh37 (hg19) VCF-style: chrX-48896692-A-C.
Other names: c.159T>G, p.Ser53= (NM_001282142.2).
Identifiers: ClinVar variation 2660504 (VCV002660504.24), dbSNP rs782341363, ClinGen allele CA10407804.
Genomic context (GRCh38, chrX:49,039,167, plus strand): 5'-CTTGAGCACCTCCCTGGGCACCTGAGCAGGGGGTGGACGGCTCAATGTGTGGCCCCCAGC[A>C]GAGACGCCAACCACAGAGATGGCAGGAGAGGCAGGTGCAGGACTGGGGAAGGGAGCCGCG-3'
Protein context (NP_006512.2, residues 148-168): ASPAISVVGV[Ser158=]AGGHTLSRPP